The following is an entry in ClinVar:

ClinVar aggregate classification (germline): Uncertain significance (1 of 4 stars; one submission).

Submission:

Labcorp Genetics (formerly Invitae), Labcorp
Classification: Uncertain significance. Last evaluated: 2020-10-08. Review status: criteria provided, single submitter. Criteria: Invitae Variant Classification Sherloc (09022015). Collection method: clinical testing. Allele origin: germline.
Comment: In summary, the available evidence is currently insufficient to determine the role of this variant in disease. Therefore, it has been classified as a Variant of Uncertain Significance. Algorithms developed to predict the effect of sequence changes on RNA splicing suggest that this variant may create or strengthen a splice site, but this prediction has not been confirmed by published transcriptional studies. Algorithms developed to predict the effect of missense changes on protein structure and function are either unavailable or do not agree on the potential impact of this missense change (SIFT: "Deleterious"; PolyPhen-2: "Benign"; Align-GVGD: "Class C0"). This variant has not been reported in the literature in individuals with CTR9-related conditions. This variant is not present in population databases (ExAC no frequency). This sequence change replaces alanine with valine at codon 676 of the CTR9 protein (p.Ala676Val). The alanine residue is moderately conserved and there is a small physicochemical difference between alanine and valine.

NM_014633.5(CTR9):c.2027C>T (p.Ala676Val)

Gene: CTR9 (CTR9 component of Paf1/RNA polymerase II complex; plus strand). Cytogenetic location: 11p15.4.
Variant type: single nucleotide variant.
Coding change: c.2027C>T on transcript NM_014633.5 (MANE Select); coding-DNA position 2027, C replaced by T.
Protein change: p.Ala676Val; replaces alanine 676 with valine.
Molecular consequence: missense variant.
Genome position (GRCh38, 1-based): chr11:10,768,409, C>T. VCF-style: chr11-10768409-C-T. GRCh37 (hg19) VCF-style: chr11-10789956-C-T.
Other names: c.2027C>T, p.Ala676Val (NM_001346279.2); short protein forms A676V.
Identifiers: ClinVar variation 1047331 (VCV001047331.8), dbSNP rs1863092676, ClinGen allele CA379674208.